The following is an entry in ClinVar:

ClinVar aggregate classification (germline): Conflicting classifications of pathogenicity. Review status: criteria provided, conflicting classifications (1 of 4 stars). 3 submissions from 3 submitters: Likely pathogenic (1); Uncertain significance (2). Last evaluated 2023-12-12.

Conditions:
Vanishing white matter disease. Also called: CACH syndrome; Childhood ataxia with diffuse central nervous system hypomyelination; Leukoencephalopathy with vanishing white matter; CACH/VWM syndrome; Cree leukoencehalopathy. Identifiers: Orphanet 135, Orphanet 99853, MedGen C1858991, MONDO:0800448.

Allele frequency attached by ClinVar (database versions not stated): TOPMed below 0.00001; gnomAD 0.00001.
gnomAD v4.1: 7 of 1,614,104 alleles (0.00043%); highest among the groups gnomAD compares: East Asian, 0.0045%; no homozygotes.

Submissions (3):

Women's Health and Genetics/Laboratory Corporation of America, LabCorp
Classification: Likely pathogenic for Vanishing white matter disease. Last evaluated: 2023-12-12. Review status: criteria provided, single submitter. Criteria: LabCorp Variant Classification Summary - May 2015. Collection method: clinical testing. Allele origin: germline.
Comment: Variant summary: EIF2B4 c.1334G>A (p.Arg445His) results in a non-conservative amino acid change in the encoded protein sequence. Five of five in-silico tools predict a damaging effect of the variant on protein function. The variant was absent in 251452 control chromosomes (gnomAD). c.1334G>A has been reported in the literature in at least two compound heterozgyous individuals affected with Leukoencephalopathy With Vanishing White Matter including one childhood onset patient with variant of unknown significant as a second allele (Zhang_2015) and a patient with suspected Genetic leukoencephalopathies who carried a splice-site variant as a second allele (Wu_2023). The variant has also been reported to segregate with disease in three family members affected with milder, adult-onset disease who carried the variant in the heterozygous state (e.g., Tian_2022). These data indicate that the variant is likely to be associated with disease. A functional study showed that in variant-transfected cells, there was a dramatically reduced EIF2Bdelta protein levels in the mutated group compared with the wild-type group, suggesting the variant may result in haploinsufficiency (e.g., Tian_2022). The following publications have been ascertained in the context of this evaluation (PMID: 34745209, 35860328, 25761052, 36380532). One submitter has reported clinical-significance assessments for this variant to ClinVar after 2014 and has classified the variant as uncertain significance, citing overlapping, but not all inclusive evidence utilized in the context of this evaluation. Based on the evidence outlined above, the variant was classified as likely pathogenic.

Labcorp Genetics (formerly Invitae), Labcorp
Classification: Uncertain significance. Last evaluated: 2022-04-20. Review status: criteria provided, single submitter. Criteria: Invitae Variant Classification Sherloc (09022015). Collection method: clinical testing. Allele origin: germline.
Comment: This sequence change replaces arginine, which is basic and polar, with histidine, which is basic and polar, at codon 445 of the EIF2B4 protein (p.Arg445His). This variant is present in population databases (no rsID available, gnomAD 0.06%). This missense change has been observed in individual(s) with leukoencephalopathy with vanishing white matter (PMID: 25761052). Algorithms developed to predict the effect of missense changes on protein structure and function are either unavailable or do not agree on the potential impact of this missense change (SIFT: "Deleterious"; PolyPhen-2: "Probably Damaging"; Align-GVGD: "Class C0"). In summary, the available evidence is currently insufficient to determine the role of this variant in disease. Therefore, it has been classified as a Variant of Uncertain Significance.

Blueprint Genetics
Classification: Uncertain significance. Last evaluated: 2019-12-18. Review status: criteria provided, single submitter. Criteria: ACMG Guidelines, 2015. Collection method: clinical testing. Allele origin: germline.

Literature cited by the submitters: PubMed 25761052 (cited by Women's Health and Genetics/Laboratory Corporation of America, LabCorp and Labcorp Genetics (formerly Invitae), Labcorp); PubMed 34745209 (cited by Women's Health and Genetics/Laboratory Corporation of America, LabCorp); PubMed 36380532 (cited by Women's Health and Genetics/Laboratory Corporation of America, LabCorp); PubMed 35860328 (cited by Women's Health and Genetics/Laboratory Corporation of America, LabCorp).

NM_001034116.2(EIF2B4):c.1337G>A (p.Arg446His)

Genes: EIF2B4 (eukaryotic translation initiation factor 2B subunit delta; minus strand), GTF3C2-AS2 (GTF3C2 antisense RNA 2; plus strand). Cytogenetic location: 2p23.3.
Variant type: single nucleotide variant.
Coding change: c.1337G>A on transcript NM_001034116.2 (MANE Select); coding-DNA position 1337, G replaced by A.
Protein change: p.Arg446His; replaces arginine 446 with histidine.
Molecular consequence: missense variant.
Genome position (GRCh38, 1-based): chr2:27,364,753, C>T on the plus strand (G>A on the coding strand, the complement: EIF2B4 is on the minus strand). VCF-style: chr2-27364753-C-T. GRCh37 (hg19) VCF-style: chr2-27587620-C-T.
Other names: c.1400G>A, p.Arg467His (NM_001318965.2); c.1292G>A, p.Arg431His (NM_001318966.2); c.1244G>A, p.Arg415His (NM_001318967.2); c.752G>A, p.Arg251His (NM_001318968.2); c.719G>A, p.Arg240His (NM_001318969.2); c.1334G>A, p.Arg445His (NM_015636.4); c.1397G>A, p.Arg466His (NM_172195.4); short protein forms R251H, R466H, R467H, R415H, R431H, R446H, R240H, R445H.
Identifiers: ClinVar variation 2203029 (VCV002203029.3), dbSNP rs767391188, ClinGen allele CA346196922.